The following is an entry in ClinVar:

ClinVar aggregate classification (germline): Uncertain significance (1 of 4 stars; one submission).

Submission:

GeneDx
Classification: Uncertain significance. Last evaluated: 2024-01-31. Review status: criteria provided, single submitter. Criteria: GeneDx Variant Classification Process June 2021. Collection method: clinical testing. Allele origin: germline. Affected: yes.
Comment: Not observed at significant frequency in large population cohorts (gnomAD); In silico analysis supports that this missense variant does not alter protein structure/function; Has not been previously published as pathogenic or benign to our knowledge

NM_005334.3(HCFC1):c.3428C>T (p.Thr1143Ile)

Gene: HCFC1 (host cell factor C1; minus strand). Cytogenetic location: Xq28.
Variant type: single nucleotide variant.
Coding change: c.3428C>T on transcript NM_005334.3 (MANE Select); coding-DNA position 3428, C replaced by T.
Protein change: p.Thr1143Ile; replaces threonine 1143 with isoleucine.
Molecular consequence: missense variant.
Genome position (GRCh38, 1-based): chrX:153,954,971, G>A on the plus strand (C>T on the coding strand, the complement: HCFC1 is on the minus strand). VCF-style: chrX-153954971-G-A. GRCh37 (hg19) VCF-style: chrX-153220422-G-A.
Other names: c.3428C>T, p.Thr1143Ile (NM_001410705.1); short protein forms T1143I.
Identifiers: ClinVar variation 3367618 (VCV003367618.1).